The following is an entry in ClinVar:

NM_033198.4(PIGS):c.553C>T (p.Arg185Cys)

Gene: PIGS (phosphatidylinositol glycan anchor biosynthesis class S; minus strand). Cytogenetic location: 17q11.2.
Variant type: single nucleotide variant.
Coding change: c.553C>T on transcript NM_033198.4 (MANE Select); coding-DNA position 553, C replaced by T.
Protein change: p.Arg185Cys; replaces arginine 185 with cysteine.
Molecular consequence: missense variant.
Genome position (GRCh38, 1-based): chr17:28,561,545, G>A on the plus strand (C>T on the coding strand, the complement: PIGS is on the minus strand). VCF-style: chr17-28561545-G-A. GRCh37 (hg19) VCF-style: chr17-26888563-G-A.
Other names: p.Arg185Cys; c.553C>T (NM_033198.3); short protein forms R185C.
Identifiers: ClinVar variation 1335264 (VCV001335264.37), dbSNP rs143746801, ClinGen allele CA8460250.
Genomic context (GRCh38, chr17:28,561,545, plus strand): 5'-CCAGAGCAGCAGCAAGCACATCCTCAGTCAAAGACATGGCCTGGGCCACCTGGACTATGC[G>A]GCGGCCAATGATGTTAAAGGCCTCCCGGTGCATTATCCCCCGCACCACTGCTGTCCTCTT-3'
Protein context (NP_149975.1, residues 175-195): HREAFNIIGR[Arg185Cys]IVQVAQAMSL

ClinVar aggregate classification (germline): Benign/Likely benign. Review status: criteria provided, multiple submitters, no conflicts (2 of 4 stars). 4 submissions from 4 submitters: Benign (1); Likely benign (2). 1 of the submissions does not count toward it. Last evaluated 2026-09-01.

Conditions:
PIGS-related disorder. Also called: PIGS-related condition.

Allele frequency attached by ClinVar (database versions not stated): 1000 Genomes Project 0.00120; 1000 Genomes Project 30x 0.00125; gnomAD 0.00351 and 0.00358; TOPMed 0.00354; ESP Exome Variant Server 0.00415; gnomAD exomes 0.00493 and 0.00540; ExAC 0.00560.
gnomAD v4.1: 8,355 of 1,613,942 alleles (0.52%); highest among the groups gnomAD compares: Admixed American, 0.73%; 30 homozygotes.

Submissions (4):

CeGaT Center for Human Genetics Tuebingen
Classification: Likely benign. Last evaluated: 2026-09-01. Review status: criteria provided, single submitter. Criteria: CeGaT Center For Human Genetics Tuebingen Variant Classification Criteria Version 2. Collection method: clinical testing. Allele origin: germline. Affected: yes. Observed: 46 variant alleles.
Comment: PIGS: BP4, BS2

Mayo Clinic Laboratories, Mayo Clinic
Classification: Benign. Last evaluated: 2022-07-29. Review status: criteria provided, single submitter. Criteria: ACMG Guidelines, 2015. Collection method: clinical testing. Allele origin: germline. Observed: 4 variant alleles.
Comment: BS1, BS2, BP4

Breakthrough Genomics
Classification: Likely benign. Review status: criteria provided, single submitter. Criteria: ACMG Guidelines, 2015. Collection method: not provided. Allele origin: germline. Inheritance: Autosomal recessive inheritance. Affected: yes.

PreventionGenetics, part of Exact Sciences
Classification: Likely benign for PIGS-related condition. Last evaluated: 2019-03-15. Review status: no assertion criteria provided. Collection method: clinical testing. Allele origin: germline. Not counted in ClinVar's aggregate classification.
Comment: This variant is classified as likely benign based on ACMG/AMP sequence variant interpretation guidelines (Richards et al. 2015 PMID: 25741868, with internal and published modifications).

Literature cited by the submitters: PubMed 28327575 (cited by Mayo Clinic Laboratories, Mayo Clinic).